The following is an entry in ClinVar:

ClinVar aggregate classification (germline): Likely pathogenic (1 of 4 stars; one submission).

Conditions:
ABCB4-related disorder. Also called: ABCB4-related disorders; ABCB4-related condition.

Submission:

PreventionGenetics, part of Exact Sciences
Classification: Likely pathogenic for ABCB4-related condition. Last evaluated: 2025-09-08. Review status: criteria provided, single submitter. Criteria: ACMG Guidelines, 2015. Collection method: clinical testing. Allele origin: germline.
Comment: The ABCB4 c.462dupT variant is predicted to result in a frameshift and premature protein termination (p.His155Serfs*12). To our knowledge, this variant has not been reported in the literature or in a large population database (gnomAD), indicating this variant is rare. Frameshift variants in ABCB4 are expected to be pathogenic. This variant is interpreted as likely pathogenic.

NM_000443.4(ABCB4):c.462dup (p.His155fs)

Gene: ABCB4 (ATP binding cassette subfamily B member 4; minus strand). Cytogenetic location: 7q21.12.
Variant type: Duplication.
Coding change: c.462dup on transcript NM_000443.4 (MANE Select); coding-DNA position 462, one base duplicated (T; older notation c.462dupT).
Protein change: p.His155fs; shifts the reading frame from histidine 155.
Molecular consequence: frameshift variant.
Genome position (GRCh38, 1-based): chr7:87,453,018, A duplicated on the plus strand (T on the coding strand, the reverse complement: ABCB4 is on the minus strand); the first of 6 consecutive A bases (chr7:87,453,018-87,453,023); duplicating any one gives the same sequence. VCF-style (leftmost placement, unchanged base first): chr7-87453017-G-GA. GRCh37 (hg19) VCF-style: chr7-87082333-G-GA.
Other names: c.462dup, p.His155fs (NM_018849.3, NM_018850.3); short protein forms H155fs.
Identifiers: ClinVar variation 4995883 (VCV004995883.1).